The following is an entry in ClinVar:

ClinVar aggregate classification (germline): Uncertain significance. Review status: criteria provided, multiple submitters, no conflicts (2 of 4 stars). 3 submissions from 3 submitters: Uncertain significance (3). Last evaluated 2026-01-14.

Conditions:
PLXNA1-related disorder. Also called: PLXNA1-related condition.
Dworschak-Punetha neurodevelopmental syndrome (DWOPNED). Identifiers: MedGen C5677017, MONDO:0859260, OMIM 619955.

Allele frequency attached by ClinVar (database versions not stated): TOPMed 0.00002; ExAC 0.00003; ESP Exome Variant Server 0.00008; gnomAD 0.00001.

Submissions (3):

PreventionGenetics, part of Exact Sciences
Classification: Uncertain significance for PLXNA1-related condition. Last evaluated: 2026-01-14. Review status: criteria provided, single submitter. Criteria: ACMG Guidelines, 2015. Collection method: clinical testing. Allele origin: germline.
Comment: The PLXNA1 c.3679G>A variant is predicted to result in the amino acid substitution p.Glu1227Lys. To our knowledge, this variant has not been reported in the literature. This variant is reported in 0.0033% of alleles in individuals of South Asian descent in gnomAD. At this time, the clinical significance of this variant is uncertain due to the absence of conclusive functional and genetic evidence.

Genomic Medicine Center of Excellence, King Faisal Specialist Hospital and Research Centre
Classification: Uncertain significance for Dworschak-Punetha neurodevelopmental syndrome. Last evaluated: 2024-03-29. Review status: criteria provided, single submitter. Criteria: ACMG Guidelines, 2015. Collection method: clinical testing. Allele origin: germline.

Ambry Genetics
Classification: Uncertain significance. Last evaluated: 2023-10-02. Review status: criteria provided, single submitter. Criteria: Ambry Variant Classification Scheme 2023. Collection method: clinical testing. Allele origin: germline.

NM_032242.4(PLXNA1):c.3679G>A (p.Glu1227Lys)

Gene: PLXNA1 (plexin A1; plus strand). Cytogenetic location: 3q21.3.
Variant type: single nucleotide variant.
Coding change: c.3679G>A on transcript NM_032242.4 (MANE Select); coding-DNA position 3679, G replaced by A.
Protein change: p.Glu1227Lys; replaces glutamic acid 1227 with lysine.
Molecular consequence: missense variant.
Genome position (GRCh38, 1-based): chr3:127,018,312, G>A. VCF-style: chr3-127018312-G-A. GRCh37 (hg19) VCF-style: chr3-126737155-G-A.
Other names: c.3679G>A (NM_032242.3); short protein forms E1227K.
Identifiers: ClinVar variation 3065658 (VCV003065658.3), dbSNP rs375219341, ClinGen allele CA2594120.
Genomic context (GRCh38, chr3:127,018,312, plus strand): 5'-GAAAGCATGGGAAGCTCCTGAGTGGCCTCCACCCACTGGCAGGTGCGGGCAGGTGGCTTC[G>A]AGTTCTCGCCAGGGACACTGCAGGTGTACTCGGACAGCCTGCTGACGCTGCCTGCCATTG-3'
Protein context (NP_115618.3, residues 1217-1237): HKVTVRAGGF[Glu1227Lys]FSPGTLQVYS